The following is an entry in ClinVar:

ClinVar aggregate classification (germline): Uncertain significance (1 of 4 stars; one submission).

Submission:

Labcorp Genetics (formerly Invitae), Labcorp
Classification: Uncertain significance. Last evaluated: 2023-11-27. Review status: criteria provided, single submitter. Criteria: Invitae Variant Classification Sherloc (09022015). Collection method: clinical testing. Allele origin: germline.
Comment: This sequence change falls in intron 4 of the HMOX1 gene. It does not directly change the encoded amino acid sequence of the HMOX1 protein. It affects a nucleotide within the consensus splice site. This variant is not present in population databases (gnomAD no frequency). This variant has not been reported in the literature in individuals affected with HMOX1-related conditions. ClinVar contains an entry for this variant (Variation ID: 1960333). Variants that disrupt the consensus splice site are a relatively common cause of aberrant splicing (PMID: 17576681, 9536098). Algorithms developed to predict the effect of sequence changes on RNA splicing suggest that this variant is not likely to affect RNA splicing. In summary, the available evidence is currently insufficient to determine the role of this variant in disease. Therefore, it has been classified as a Variant of Uncertain Significance.

Literature cited by the submitters: PubMed 17576681; PubMed 9536098.

NM_002133.3(HMOX1):c.736+3G>A

Gene: HMOX1 (heme oxygenase 1; plus strand). Cytogenetic location: 22q12.3.
Variant type: single nucleotide variant.
Coding change: c.736+3G>A on transcript NM_002133.3 (MANE Select); 3 bases into the intron after coding-DNA position 736, G replaced by A.
Molecular consequence: intron variant.
Genome position (GRCh38, 1-based): chr22:35,389,966, G>A. VCF-style: chr22-35389966-G-A. GRCh37 (hg19) VCF-style: chr22-35785959-G-A.
Identifiers: ClinVar variation 1960333 (VCV001960333.5), dbSNP rs2517867724, ClinGen allele CA2580099718.